The following is an entry in ClinVar:

ClinVar aggregate classification (germline): Uncertain significance. Review status: criteria provided, multiple submitters, no conflicts (2 of 4 stars). 2 submissions from 2 submitters: Uncertain significance (2). Last evaluated 2026-04-10.

Conditions:
DPYSL5-related disorder. Also called: DPYSL5-related condition.
Inborn genetic diseases. Identifiers: MedGen C0950123, MeSH D030342.

gnomAD v4.1: 1 of 1,614,066 alleles (0.000062%); highest among the groups gnomAD compares: Admixed American, 0.0017%; no homozygotes.

Submissions (2):

PreventionGenetics, part of Exact Sciences
Classification: Uncertain significance for DPYSL5-related condition. Last evaluated: 2026-04-10. Review status: criteria provided, single submitter. Criteria: ACMG Guidelines, 2015. Collection method: clinical testing. Allele origin: germline.
Comment: The DPYSL5 c.365C>G variant is predicted to result in the amino acid substitution p.Pro122Arg. To our knowledge, this variant has not been reported in the literature or in a large population database (gnomAD), indicating this variant is rare. At this time, the clinical significance of this variant is uncertain due to the absence of conclusive functional and genetic evidence.

Ambry Genetics
Classification: Uncertain significance for Inborn genetic diseases. Last evaluated: 2024-04-23. Review status: criteria provided, single submitter. Criteria: Ambry Variant Classification Scheme 2023. Collection method: clinical testing. Allele origin: germline.

NM_020134.4(DPYSL5):c.365C>G (p.Pro122Arg)

Gene: DPYSL5 (dihydropyrimidinase like 5; plus strand). Cytogenetic location: 2p23.3.
Variant type: single nucleotide variant.
Coding change: c.365C>G on transcript NM_020134.4 (MANE Select); coding-DNA position 365, C replaced by G.
Protein change: p.Pro122Arg; replaces proline 122 with arginine.
Molecular consequence: missense variant.
Genome position (GRCh38, 1-based): chr2:26,924,990, C>G. VCF-style: chr2-26924990-C-G. GRCh37 (hg19) VCF-style: chr2-27147858-C-G.
Other names: c.365C>G, p.Pro122Arg (NM_001253723.2, NM_001253724.2); short protein forms P122R.
Identifiers: ClinVar variation 3273722 (VCV003273722.2).